The following is an entry in ClinVar:

NM_000455.5(STK11):c.1229C>T (p.Ala410Val)

Gene: STK11 (serine/threonine kinase 11; plus strand). Cytogenetic location: 19p13.3.
Variant type: single nucleotide variant.
Coding change: c.1229C>T on transcript NM_000455.5 (MANE Select); coding-DNA position 1229, C replaced by T.
Protein change: p.Ala410Val; replaces alanine 410 with valine.
Molecular consequence: missense variant.
Genome position (GRCh38, 1-based): chr19:1,226,574, C>T. VCF-style: chr19-1226574-C-T. GRCh37 (hg19) VCF-style: chr19-1226573-C-T.
Other names: p.A410V:GCC>GTC; short protein forms A410V.
Identifiers: ClinVar variation 127701 (VCV000127701.32), dbSNP rs372329880, ClinGen allele CA022505.

ClinVar aggregate classification (germline): Conflicting classifications of pathogenicity. Review status: criteria provided, conflicting classifications (1 of 4 stars). 10 submissions from 10 submitters: Uncertain significance (6); Likely benign (4). Last evaluated 2026-02-01.

Conditions:
Hereditary cancer-predisposing syndrome. Also called: Tumor predisposition; Hereditary Cancer Syndrome; Neoplastic Syndromes, Hereditary; Hereditary neoplastic syndrome. Identifiers: Orphanet 140162, MedGen C0027672, MeSH D009386, MONDO:0015356.
Peutz-Jeghers syndrome (PJS). Also called: POLYPOSIS, HAMARTOMATOUS INTESTINAL; POLYPS-AND-SPOTS SYNDROME; Peutz-Jeghers polyposis; Periorificial lentiginosis syndrome. Identifiers: Orphanet 2869, MedGen C0031269, MeSH D010580, MONDO:0008280, OMIM 175200.

Allele frequency attached by ClinVar (database versions not stated): gnomAD exomes 0.00003 and 0.00002; ESP Exome Variant Server 0.00008; ExAC 0.00011; TOPMed 0.00002; gnomAD 0.00003 and 0.00002; 1000 Genomes Project 30x 0.00016; 1000 Genomes Project 0.00020.
gnomAD v4.1: 32 of 1,585,200 alleles (0.002%); highest among the groups gnomAD compares: Middle Eastern, 0.017%; no homozygotes.

Submissions (10):

Labcorp Genetics (formerly Invitae), Labcorp
Classification: Likely benign for Peutz-Jeghers syndrome. Last evaluated: 2026-02-01. Review status: criteria provided, single submitter. Criteria: Invitae Variant Classification Sherloc (09022015). Collection method: clinical testing. Allele origin: germline.

Color Diagnostics, LLC DBA Color Health
Classification: Likely benign for Hereditary cancer-predisposing syndrome. Last evaluated: 2025-12-10. Review status: criteria provided, single submitter. Criteria: ACMG Guidelines, 2015. Collection method: clinical testing. Allele origin: germline.

Center for Genomic Medicine, Rigshospitalet, Copenhagen University Hospital
Classification: Uncertain significance. Last evaluated: 2025-03-04. Review status: criteria provided, single submitter. Criteria: ACMG Guidelines, 2015. Collection method: clinical testing. Allele origin: germline.

Quest Diagnostics Nichols Institute San Juan Capistrano
Classification: Uncertain significance. Last evaluated: 2024-11-05. Review status: criteria provided, single submitter. Criteria: Quest Diagnostics criteria. Collection method: clinical testing. Allele origin: unknown.
Comment: The STK11 c.1229C>T (p.Ala410Val) variant has been reported in the published literature in at least one individual with breast cancer (PMID: 30093976 (2018)). It has also been described as a variant of uncertain significance in a breast cancer case-control study (PMID: 31871109 (2019)). The frequency of this variant in the general population, 0.000037 (3/81990 chromosomes in European (Non-Finnish) subpopulation (Genome Aggregation Database)), is higher than would generally be expected for pathogenic variants in this gene. Analysis of this variant using bioinformatics tools for the prediction of the effect of amino acid changes on protein structure and function yielded predictions that this variant is benign. Based on the available information, we are unable to determine the clinical significance of this variant.

All of Us Research Program, National Institutes of Health
Classification: Uncertain significance for Peutz-Jeghers syndrome. Last evaluated: 2024-07-20. Review status: criteria provided, single submitter. Criteria: ACMG Guidelines, 2015. Collection method: clinical testing. Allele origin: germline. Inheritance: Autosomal dominant inheritance. Observed: 9 variant alleles, 9 heterozygotes.
Comment: This missense variant replaces alanine with valine at codon 410 of the STK11 protein. Computational prediction suggests that this variant may not impact protein structure and function (internally defined REVEL score threshold <= 0.5, PMID: 27666373). To our knowledge, functional studies have not been performed for this variant. This variant has been reported in individuals affected with breast cancer in the literature (PMID: 30093976, 31871109). This variant has been identified in 5/191680 chromosomes in the general population by the Genome Aggregation Database (gnomAD). The available evidence is insufficient to determine the role of this variant in disease conclusively. Therefore, this variant is classified as a Variant of Uncertain Significance.

This study involves interpretation of variants in research participants for the purpose of population health screening. Participant phenotype was not available at the time of variant classification. Additional details can be found in publication PMID: 35346344, PMCID: PMC8962531

Women's Health and Genetics/Laboratory Corporation of America, LabCorp
Classification: Uncertain significance. Last evaluated: 2022-08-29. Review status: criteria provided, single submitter. Criteria: LabCorp Variant Classification Summary - May 2015. Collection method: clinical testing. Allele origin: germline.
Comment: Variant summary: STK11 c.1229C>T (p.Ala410Val) results in a non-conservative amino acid change in the encoded protein sequence. Four of five in-silico tools predict a benign effect of the variant on protein function. The variant allele was found at a frequency of 2.6e-05 in 191680 control chromosomes (gnomAD). The available data on variant occurrences in the general population are insufficient to allow any conclusion about variant significance. c.1229C>T has been reported in the literature in individuals reported with breast cancer who have undergone multi gene panel testing (examples: Chan_2018 and Adedokun_2020). These reports classified the variant as VUS and do not provide unequivocal conclusions about association of the variant with Peutz-Jeghers Syndrome. To our knowledge, no experimental evidence demonstrating an impact on protein function has been reported. Five clinical diagnostic laboratories have submitted clinical-significance assessments for this variant to ClinVar after 2014 and classified the variant as likely benign(n=2) and VUS(n=3). Based on the evidence outlined above, the variant was classified as uncertain significance.

MGZ Medical Genetics Center
Classification: Uncertain significance for Peutz-Jeghers syndrome. Last evaluated: 2021-11-24. Review status: criteria provided, single submitter. Criteria: ACMG Guidelines, 2015. Collection method: clinical testing. Allele origin: germline. Affected: yes. Observed: 1 variant allele.
Comment: ACMG criteria applied: PM2_SUP, BP4

Genome-Nilou Lab
Classification: Uncertain significance for Peutz-Jeghers syndrome. Last evaluated: 2021-07-15. Review status: criteria provided, single submitter. Criteria: ACMG Guidelines, 2015. Collection method: clinical testing. Allele origin: germline. Affected: no.

GeneDx
Classification: Likely benign. Last evaluated: 2020-04-01. Review status: criteria provided, single submitter. Criteria: GeneDx Variant Classification Process June 2021. Collection method: clinical testing. Allele origin: germline. Affected: yes.
Comment: In silico analysis supports that this missense variant does not alter protein structure/function; This variant is associated with the following publications: (PMID: 30093976)

Ambry Genetics
Classification: Likely benign for Hereditary cancer-predisposing syndrome. Last evaluated: 2019-09-28. Review status: criteria provided, single submitter. Criteria: Ambry Variant Classification Scheme 2023. Collection method: clinical testing. Allele origin: germline.

Literature cited by the submitters: PubMed 31871109 (cited by 3 submitters); PubMed 30093976 (cited by 4 submitters); PubMed 27697855 (cited by Quest Diagnostics Nichols Institute San Juan Capistrano).